The following is an entry in ClinVar:

NM_000170.3(GLDC):c.1666G>T (p.Gly556Ter)

Gene: GLDC (glycine decarboxylase; minus strand). Cytogenetic location: 9p24.1.
Variant type: single nucleotide variant.
Coding change: c.1666G>T on transcript NM_000170.3 (MANE Select); coding-DNA position 1666, G replaced by T.
Protein change: p.Gly556Ter; replaces glycine 556 with a stop codon.
Molecular consequence: nonsense.
Genome position (GRCh38, 1-based): chr9:6,588,442, C>A on the plus strand (G>T on the coding strand, the complement: GLDC is on the minus strand). VCF-style: chr9-6588442-C-A. GRCh37 (hg19) VCF-style: chr9-6588442-C-A.
Other names: short protein forms G556*.
Identifiers: ClinVar variation 5013951 (VCV005013951.1).

ClinVar aggregate classification (germline): Pathogenic (1 of 4 stars; one submission).

Conditions:
Glycine encephalopathy 1 (GCE1). Identifiers: MedGen CN376801, MONDO:0958179, OMIM 605899.

Submission:

Myriad Genetics, Inc.
Classification: Pathogenic for Glycine encephalopathy 1. Last evaluated: 2024-10-17. Review status: criteria provided, single submitter. Criteria: Myriad Autosomal Dominant, Autosomal Recessive and X-Linked Classification Criteria (2023). Collection method: clinical testing. Allele origin: unknown.
Comment: NM_000170.2(GLDC):c.1666G>T(G556*) is expected to be pathogenic in the context of glycine encephalopathy, GLDC-related. This variant is predicted to lead to an abnormal or absent protein product due to the creation of a premature termination codon in GLDC, a gene where loss-of-function variants are known to be pathogenic. Please note: this variant was assessed in the context of healthy population screening.